The following is an entry in ClinVar:

ClinVar aggregate classification (germline): Likely benign (1 of 4 stars; one submission).

Allele frequency attached by ClinVar (database versions not stated): TOPMed 0.01431; 1000 Genomes Project 0.01457; 1000 Genomes Project 30x 0.01540.
gnomAD v4.1: 2,220 of 511,790 alleles (0.43%); highest among the groups gnomAD compares: African/African-American, 4.6%; 41 homozygotes.

Submission:

GeneDx
Classification: Likely benign. Last evaluated: 2018-06-16. Review status: criteria provided, single submitter. Criteria: GeneDx Variant Classification (06012015). Collection method: clinical testing. Allele origin: germline. Affected: yes.
Comment: This variant is considered likely benign or benign based on one or more of the following criteria: it is a conservative change, it occurs at a poorly conserved position in the protein, it is predicted to be benign by multiple in silico algorithms, and/or has population frequency not consistent with disease.

NM_000252.3(MTM1):c.679-150C>G

Gene: MTM1 (myotubularin 1; plus strand). Cytogenetic location: Xq28.
Variant type: single nucleotide variant.
Coding change: c.679-150C>G on transcript NM_000252.3 (MANE Select); 150 bases into the intron before coding-DNA position 679, C replaced by G.
Molecular consequence: intron variant.
Genome position (GRCh38, 1-based): chrX:150,645,533, C>G. VCF-style: chrX-150645533-C-G. GRCh37 (hg19) VCF-style: chrX-149814006-C-G.
Other names: c.679-150C>G (NM_001376908.1, NM_001376906.1); c.568-150C>G (NM_001376907.1).
Identifiers: ClinVar variation 681923 (VCV000681923.1), dbSNP rs113515087, ClinGen allele CA337092432.
Genomic context (GRCh38, chrX:150,645,533, plus strand): 5'-ACTGGTAATTGTACTTGTTTCTGAGTTATATTATTAAATGCATGTCTCTGGGCACACACA[C>G]GCAGTGAGATTGCAAGTGAACAAGTATTCTATTTTAGCACAATCAGATTCACTTCTTGAT-3'